The following is an entry in ClinVar:

NM_005045.4(RELN):c.8263A>G (p.Met2755Val)

Genes: RELN (reelin; minus strand), SLC26A5-AS1 (SLC26A5 antisense RNA 1; plus strand). Cytogenetic location: 7q22.1.
Variant type: single nucleotide variant.
Coding change: c.8263A>G on transcript NM_005045.4 (MANE Select); coding-DNA position 8263, A replaced by G.
Protein change: p.Met2755Val; replaces methionine 2755 with valine.
Molecular consequence: missense variant.
Genome position (GRCh38, 1-based): chr7:103,510,862, T>C on the plus strand (A>G on the coding strand, the complement: RELN is on the minus strand). VCF-style: chr7-103510862-T-C. GRCh37 (hg19) VCF-style: chr7-103151309-T-C.
Other names: c.8263A>G, p.Met2755Val (NM_173054.3); short protein forms M2755V.
Identifiers: ClinVar variation 2947732 (VCV002947732.3), dbSNP rs1829384315, ClinGen allele CA368761194.
Genomic context (GRCh38, chr7:103,510,862, plus strand): 5'-ATATTGCTAATGTATGGTTGTTTATATAATCAAGATCATAACATTTCACCTTGAATTGCA[T>C]AATCCAGCCTTCAGTGGGAGTCAGGTCATGGGTCACTGCATACACCTCCCGTCCATCATG-3'
Protein context (NP_005036.2, residues 2745-2765): HDLTPTEGWI[Met2755Val]QFKISVGCKV

ClinVar aggregate classification (germline): Uncertain significance (1 of 4 stars; one submission).

Conditions:
Familial temporal lobe epilepsy 7. Identifiers: Orphanet 101046, MedGen C4225327, MONDO:0014639, OMIM 616436.
Norman-Roberts syndrome (LIS2). Also called: Lissencephaly 2 (Norman-Roberts type). Identifiers: Orphanet 89844, MedGen C0796089, MONDO:0009760, OMIM 257320.

Allele frequency attached by ClinVar (database versions not stated): TOPMed below 0.00001; gnomAD 0.00001.
gnomAD v4.1: 1 of 1,613,298 alleles (0.000062%); highest among the groups gnomAD compares: Non-Finnish European, 0.000085%; no homozygotes.

Submission:

Labcorp Genetics (formerly Invitae), Labcorp
Classification: Uncertain significance for Familial temporal lobe epilepsy 7; Norman-Roberts syndrome. Last evaluated: 2023-05-13. Review status: criteria provided, single submitter. Criteria: Invitae Variant Classification Sherloc (09022015). Collection method: clinical testing. Allele origin: germline.
Comment: In summary, the available evidence is currently insufficient to determine the role of this variant in disease. Therefore, it has been classified as a Variant of Uncertain Significance. Advanced modeling of protein sequence and biophysical properties (such as structural, functional, and spatial information, amino acid conservation, physicochemical variation, residue mobility, and thermodynamic stability) performed at Invitae indicates that this missense variant is not expected to disrupt RELN protein function. This variant has not been reported in the literature in individuals affected with RELN-related conditions. This variant is not present in population databases (gnomAD no frequency). This sequence change replaces methionine, which is neutral and non-polar, with valine, which is neutral and non-polar, at codon 2755 of the RELN protein (p.Met2755Val).